The following is an entry in ClinVar:

NM_006361.6(HOXB13):c.602-5_602-4insA

Gene: HOXB13 (homeobox B13; minus strand). Cytogenetic location: 17q21.32.
Variant type: Insertion.
Coding change: c.602-5_602-4insA on transcript NM_006361.6 (MANE Select); 5 bases into the intron before coding-DNA position 602 through 4 bases into the intron before coding-DNA position 602, A inserted.
Molecular consequence: intron variant.
Genome position: GRCh38 VCF-style: chr17-48727047-C-CT. GRCh37 (hg19) VCF-style: chr17-46804409-C-CT.
Identifiers: ClinVar variation 826141 (VCV000826141.10), dbSNP rs1597933079, ClinGen allele CA915950298.

ClinVar aggregate classification (germline): Uncertain significance. Review status: criteria provided, multiple submitters, no conflicts (2 of 4 stars). 2 submissions from 2 submitters: Uncertain significance (2). Last evaluated 2026-02-17.

Conditions:
Hereditary cancer-predisposing syndrome. Also called: Hereditary Cancer Syndrome; Tumor predisposition; Neoplastic Syndromes, Hereditary; Hereditary neoplastic syndrome. Identifiers: Orphanet 140162, MedGen C0027672, MeSH D009386, MONDO:0015356.

Allele frequency attached by ClinVar (database versions not stated): TOPMed below 0.00001.

Submissions (2):

Ambry Genetics
Classification: Uncertain significance for Hereditary cancer-predisposing syndrome. Last evaluated: 2026-02-17. Review status: criteria provided, single submitter. Criteria: Ambry Variant Classification Scheme 2023. Collection method: clinical testing. Allele origin: germline.
Comment: The c.602-5_602-4insA intronic variant, results from an insertion of one nucleotide at nucleotide position 602 before exon 2 of the HOXB13 gene. This nucleotide region is well conserved in available vertebrate species. In silico splice site analysis predicts that this alteration will result in the creation or strengthening of a novel splice acceptor site. Based on the available evidence, the clinical significance of this variant remains unclear.

Labcorp Genetics (formerly Invitae), Labcorp
Classification: Uncertain significance. Last evaluated: 2025-07-30. Review status: criteria provided, single submitter. Criteria: Invitae Variant Classification Sherloc (09022015). Collection method: clinical testing. Allele origin: germline.
Comment: This sequence change falls in intron 1 of the HOXB13 gene. It does not directly change the encoded amino acid sequence of the HOXB13 protein. This variant is not present in population databases (gnomAD no frequency). This variant has not been reported in the literature in individuals affected with HOXB13-related conditions. ClinVar contains an entry for this variant (Variation ID: 826141). Algorithms developed to predict the effect of sequence changes on RNA splicing suggest that this variant may disrupt the consensus splice site. In summary, the available evidence is currently insufficient to determine the role of this variant in disease. Therefore, it has been classified as a Variant of Uncertain Significance.